The following is an entry in ClinVar:

NM_001165963.4(SCN1A):c.1876A>T (p.Ser626Cys)

Gene: SCN1A (sodium voltage-gated channel alpha subunit 1; minus strand). Cytogenetic location: 2q24.3.
Variant type: single nucleotide variant.
Coding change: c.1876A>T on transcript NM_001165963.4 (MANE Select); coding-DNA position 1876, A replaced by T.
Protein change: p.Ser626Cys; replaces serine 626 with cysteine.
Molecular consequence: missense variant. On other transcripts: 5 prime UTR variant (1), non-coding transcript variant (1).
Genome position (GRCh38, 1-based): chr2:166,043,836, T>A on the plus strand (A>T on the coding strand, the complement: SCN1A is on the minus strand). VCF-style: chr2-166043836-T-A. GRCh37 (hg19) VCF-style: chr2-166900346-T-A.
Other names: c.1876A>T, p.Ser626Cys (NM_001165964.3, NM_001202435.3, NM_001353948.2 and 7 more transcripts); c.1873A>T, p.Ser625Cys (NM_001353954.2, NM_001353955.2, NM_001353960.2); c.-550A>T (NM_001353961.2); short protein forms S626C, S625C.
Identifiers: ClinVar variation 588285 (VCV000588285.6), dbSNP rs121917990, ClinGen allele CA349067383.
Genomic context (GRCh38, chr2:166,043,836, plus strand): 5'-CCACAGTGCTGTGCATCTTCCCATTCGCTGGAAACACTGCCAGCATCCGGGATGACCTAC[T>A]GGTCTGACTCAGGTTGCTGTTGCGTCTCTCTCCGTGTCGTCGGGGCACAAACAAGGAATC-3'
Protein context (NP_001159435.1, residues 616-636): ERRNSNLSQT[Ser626Cys]RSSRMLAVFP

ClinVar aggregate classification (germline): Uncertain significance (1 of 4 stars; one submission).

Conditions:
Inborn genetic diseases. Identifiers: MedGen C0950123, MeSH D030342.

Submission:

Ambry Genetics
Classification: Uncertain significance for Inborn genetic diseases. Last evaluated: 2016-09-19. Review status: criteria provided, single submitter. Criteria: Ambry Variant Classification Scheme 2023. Collection method: clinical testing. Allele origin: germline.
Comment: The p.S626C variant (also known as c.1876A>T), located in coding exon 11 of the SCN1A gene, results from an A to T substitution at nucleotide position 1876. The serine at codon 626 is replaced by cysteine, an amino acid with dissimilar properties. This variant was not reported in population based cohorts in the following databases: Database of Single Nucleotide Polymorphisms (dbSNP), NHLBI Exome Sequencing Project (ESP), and 1000 Genomes Project. In the ESP, this variant was not observed in 6503 samples (13006 alleles) with coverage at this position. This amino acid position is highly conserved in available vertebrate species. In addition, this alteration is predicted to be deleterious by in silico analysis. Since supporting evidence is limited at this time, the clinical significance of this variant remains unclear.